The following is an entry in ClinVar:

ClinVar aggregate classification (germline): Likely benign (0 of 4 stars; one submission).

Conditions:
IL23R-related disorder. Also called: IL23R-related condition.

Submission:

PreventionGenetics, part of Exact Sciences
Classification: Likely benign for IL23R-related condition. Last evaluated: 2021-07-19. Review status: no assertion criteria provided. Collection method: clinical testing. Allele origin: germline.
Comment: This variant is classified as likely benign based on ACMG/AMP sequence variant interpretation guidelines (Richards et al. 2015 PMID: 25741868, with internal and published modifications).

NM_144701.3(IL23R):c.653-5dup

Gene: IL23R (interleukin 23 receptor; plus strand). Cytogenetic location: 1p31.3.
Variant type: Duplication.
Coding change: c.653-5dup on transcript NM_144701.3 (MANE Select); 5 bases into the intron before coding-DNA position 653, one base duplicated (T; older notation c.653-5dupT).
Molecular consequence: intron variant.
Genome position (GRCh38, 1-based): chr1:67,206,905, T duplicated; the last of 21 consecutive T bases (chr1:67,206,885-67,206,905); duplicating any one gives the same sequence. VCF-style (leftmost placement, unchanged base first): chr1-67206884-C-CT. GRCh37 (hg19) VCF-style: chr1-67672567-C-CT.
Identifiers: ClinVar variation 3059839 (VCV003059839.2), dbSNP rs557919248, ClinGen allele CA899781.
Genomic context (GRCh38, chr1:67,206,884, plus strand): 5'-TATCTAGATATTGACGAAAAGATGCCAGTTTCTCCCTAGGCAAGTTTTAAACAGCCAGGT[C>CT]TTTTTTTTTTTTTTTTTTTTTCTAGTGATACCTTCTGCAGCCGTCATTTCCAGGGCTGAG-3'